The following is an entry in ClinVar:

NM_001195263.2(PDZD7):c.2323C>T (p.Arg775Cys)

Gene: PDZD7 (PDZ domain containing 7; minus strand). Cytogenetic location: 10q24.31.
Variant type: single nucleotide variant.
Coding change: c.2323C>T on transcript NM_001195263.2 (MANE Select); coding-DNA position 2323, C replaced by T.
Protein change: p.Arg775Cys; replaces arginine 775 with cysteine.
Molecular consequence: missense variant.
Genome position (GRCh38, 1-based): chr10:101,010,566, G>A on the plus strand (C>T on the coding strand, the complement: PDZD7 is on the minus strand). VCF-style: chr10-101010566-G-A. GRCh37 (hg19) VCF-style: chr10-102770323-G-A.
Other names: short protein forms R775C.
Identifiers: ClinVar variation 1524281 (VCV001524281.8), dbSNP rs2133999099, ClinGen allele CA378224571.

ClinVar aggregate classification (germline): Uncertain significance (1 of 4 stars; one submission).

Allele frequency attached by ClinVar (database versions not stated): gnomAD exomes below 0.00001.

Submission:

Labcorp Genetics (formerly Invitae), Labcorp
Classification: Uncertain significance. Last evaluated: 2022-10-04. Review status: criteria provided, single submitter. Criteria: Invitae Variant Classification Sherloc (09022015). Collection method: clinical testing. Allele origin: germline.
Comment: This variant has not been reported in the literature in individuals affected with PDZD7-related conditions. In summary, the available evidence is currently insufficient to determine the role of this variant in disease. Therefore, it has been classified as a Variant of Uncertain Significance. Algorithms developed to predict the effect of missense changes on protein structure and function output the following: SIFT: "Deleterious"; PolyPhen-2: "Not Available"; Align-GVGD: "Class C0". The cysteine amino acid residue is found in multiple mammalian species, which suggests that this missense change does not adversely affect protein function. ClinVar contains an entry for this variant (Variation ID: 1524281). This variant is not present in population databases (gnomAD no frequency). This sequence change replaces arginine, which is basic and polar, with cysteine, which is neutral and slightly polar, at codon 775 of the PDZD7 protein (p.Arg775Cys).